The following is an entry in ClinVar:

NM_001386298.1(CIC):c.3278C>T (p.Ser1093Phe)

Gene: CIC (capicua transcriptional repressor; plus strand). Cytogenetic location: 19q13.2.
Variant type: single nucleotide variant.
Coding change: c.3278C>T on transcript NM_001386298.1 (MANE Select); coding-DNA position 3278, C replaced by T.
Protein change: p.Ser1093Phe; replaces serine 1093 with phenylalanine.
Molecular consequence: missense variant.
Genome position (GRCh38, 1-based): chr19:42,287,418, C>T. VCF-style: chr19-42287418-C-T. GRCh37 (hg19) VCF-style: chr19-42791570-C-T.
Other names: c.3278C>T, p.Ser1093Phe (NM_001304815.2, NM_001379480.1, NM_001379482.1); c.551C>T, p.Ser184Phe (NM_001379484.1, NM_001379485.1, NM_015125.5); short protein forms S184F, S1093F.
Identifiers: ClinVar variation 133920 (VCV000133920.1), dbSNP rs587778209, ClinGen allele CA158158.

ClinVar aggregate classification (germline): not provided (0 of 4 stars; one submission).

Allele frequency attached by ClinVar (database versions not stated): TOPMed 0.00001; ExAC 0.00001; gnomAD 0.00001; gnomAD exomes 0.00001.
gnomAD v4.1: 67 of 1,613,892 alleles (0.0042%); highest among the groups gnomAD compares: Non-Finnish European, 0.0053%; no homozygotes.

Submission:

ITMI
No classification provided. Condition: AllHighlyPenetrant. Last evaluated: 2013-09-19. Review status: no classification provided. Collection method: reference population. Allele origin: germline.
Comment: Please see associated publication for description of ethnicities

Literature cited by the submitters: PubMed 24728327.